The following is an entry in ClinVar:

ClinVar aggregate classification (germline): Uncertain significance (1 of 4 stars; one submission).

Submission:

GeneDx
Classification: Uncertain significance. Last evaluated: 2024-08-03. Review status: criteria provided, single submitter. Criteria: GeneDx Variant Classification Process June 2021. Collection method: clinical testing. Allele origin: germline. Affected: yes.
Comment: Not observed at significant frequency in large population cohorts (gnomAD); In silico analysis supports that this missense variant has a deleterious effect on protein structure/function; In silico analysis suggests this variant may impact gene splicing. In the absence of RNA/functional studies, the actual effect of this sequence change is unknown.; Has not been previously published as pathogenic or benign to our knowledge

NM_001148.6(ANK2):c.1688G>A (p.Gly563Asp)

Gene: ANK2 (ankyrin 2; plus strand). Cytogenetic location: 4q26.
Variant type: single nucleotide variant.
Coding change: c.1688G>A on transcript NM_001148.6 (MANE Select); coding-DNA position 1688, G replaced by A.
Protein change: p.Gly563Asp; replaces glycine 563 with aspartic acid.
Molecular consequence: missense variant.
Genome position (GRCh38, 1-based): chr4:113,277,841, G>A. VCF-style: chr4-113277841-G-A. GRCh37 (hg19) VCF-style: chr4-114198997-G-A.
Other names: c.1625G>A, p.Gly542Asp (NM_001127493.3, NM_001354239.2, NM_001354243.2 and 14 more transcripts); c.1688G>A, p.Gly563Asp (NM_001354225.2, NM_001354228.2, NM_001354232.2 and 8 more transcripts); c.1733G>A, p.Gly578Asp (NM_001354230.2, NM_001354231.2, NM_001354237.2 and 5 more transcripts); c.1601G>A, p.Gly534Asp (NM_001354249.2, NM_001354260.2, NM_001354264.2 and 13 more transcripts); c.1646G>A, p.Gly549Asp (NM_001354261.2, NM_001386147.1, NM_001386160.1); c.1478G>A, p.Gly493Asp (NM_001354269.3); c.1490G>A, p.Gly497Asp (NM_001354273.2); c.1403G>A, p.Gly468Asp (NM_001354277.2, NM_001386157.1, NM_001386158.1); and 4 more; short protein forms G468D, G493D, G497D, G534D, G542D, G549D, G551D, G559D.
Identifiers: ClinVar variation 3602267 (VCV003602267.1).